The following is an entry in ClinVar:

ClinVar aggregate classification (germline): Uncertain significance. Review status: criteria provided, multiple submitters, no conflicts (2 of 4 stars). 2 submissions from 2 submitters: Uncertain significance (2). Last evaluated 2025-12-15.

Conditions:
Emery-Dreifuss muscular dystrophy 5, autosomal dominant (EDMD5). Also called: EMERY-DREIFUSS MUSCULAR DYSTROPHY 5. Identifiers: Orphanet 261, MedGen C2751805, MONDO:0013072, OMIM 612999.

Allele frequency attached by ClinVar (database versions not stated): gnomAD 0.00001; TOPMed 0.00001.
gnomAD v4.1: 29 of 1,614,022 alleles (0.0018%); highest among the groups gnomAD compares: Admixed American, 0.0033%; no homozygotes.

Submissions (2):

Labcorp Genetics (formerly Invitae), Labcorp
Classification: Uncertain significance for Emery-Dreifuss muscular dystrophy 5, autosomal dominant. Last evaluated: 2025-12-15. Review status: criteria provided, single submitter. Criteria: Invitae Variant Classification Sherloc (09022015). Collection method: clinical testing. Allele origin: germline.
Comment: This sequence change replaces arginine, which is basic and polar, with glutamine, which is neutral and polar, at codon 6892 of the SYNE2 protein (p.Arg6892Gln). This variant is present in population databases (rs774785412, gnomAD 0.01%). This variant has not been reported in the literature in individuals affected with SYNE2-related conditions. ClinVar contains an entry for this variant (Variation ID: 1409773). An algorithm developed to predict the effect of missense changes on protein structure and function (PolyPhen-2) suggests that this variant is likely to be disruptive. In summary, the available evidence is currently insufficient to determine the role of this variant in disease. Therefore, it has been classified as a Variant of Uncertain Significance.

Revvity Omics, Revvity
Classification: Uncertain significance for Emery-Dreifuss muscular dystrophy 5, autosomal dominant. Last evaluated: 2019-12-16. Review status: criteria provided, single submitter. Criteria: ACMG Guidelines, 2015. Collection method: clinical testing. Allele origin: germline.

NM_182914.3(SYNE2):c.20675G>A (p.Arg6892Gln)

Gene: SYNE2 (spectrin repeat containing nuclear envelope protein 2; plus strand). Cytogenetic location: 14q23.2.
Variant type: single nucleotide variant.
Coding change: c.20675G>A on transcript NM_182914.3 (MANE Select); coding-DNA position 20675, G replaced by A.
Protein change: p.Arg6892Gln; replaces arginine 6892 with glutamine.
Molecular consequence: missense variant.
Genome position (GRCh38, 1-based): chr14:64,225,477, G>A. VCF-style: chr14-64225477-G-A. GRCh37 (hg19) VCF-style: chr14-64692195-G-A.
Other names: c.20675G>A (NM_182914.2); c.20609G>A, p.Arg6870Gln (NM_015180.6); c.1241G>A, p.Arg414Gln (NM_182910.2); c.1622G>A, p.Arg541Gln (NM_182913.4); short protein forms R6870Q, R414Q, R541Q, R6892Q.
Identifiers: ClinVar variation 1409773 (VCV001409773.10), dbSNP rs774785412, ClinGen allele CA7224994.
Genomic context (GRCh38, chr14:64,225,477, plus strand): 5'-CCTGCCTGCTGCCCTCCTCCGAAGAAGACTACAGCTGCACTCAGGCCAACAACTTTGCCC[G>A]GTCCTTTTACCCCATGCTGAGGTACACCAATGGGCCACCCCCCACATAGAGGGCATAGCT-3'
Protein context (NP_878918.2, residues 6882-6902): YSCTQANNFA[Arg6892Gln]SFYPMLRYTN